The following is an entry in ClinVar:

ClinVar aggregate classification (germline): Uncertain significance (1 of 4 stars; one submission).

Conditions:
Benign neonatal seizures. Also called: Benign familial neonatal seizures; Benign neonatal familial convulsions; Convulsions benign familial neonatal dominant form; Autosomal dominant form of benign neonatal seizures; Benign familial neonatal epilepsy. Identifiers: Orphanet 1949, MedGen C0220669, MONDO:0016027.

Allele frequency attached by ClinVar (database versions not stated): gnomAD exomes below 0.00001; ExAC 0.00002; 1000 Genomes Project 30x 0.00016; 1000 Genomes Project 0.00020.
gnomAD v4.1: 3 of 1,496,940 alleles (0.0002%); highest among the groups gnomAD compares: Admixed American, 0.004%; no homozygotes.

Submission:

Labcorp Genetics (formerly Invitae), Labcorp
Classification: Uncertain significance for Benign neonatal seizures. Last evaluated: 2023-11-12. Review status: criteria provided, single submitter. Criteria: Invitae Variant Classification Sherloc (09022015). Collection method: clinical testing. Allele origin: germline.
Comment: This sequence change replaces arginine, which is basic and polar, with glycine, which is neutral and non-polar, at codon 41 of the KCNQ3 protein (p.Arg41Gly). This variant is present in population databases (rs568033682, gnomAD 0.004%). This variant has not been reported in the literature in individuals affected with KCNQ3-related conditions. Advanced modeling of protein sequence and biophysical properties (such as structural, functional, and spatial information, amino acid conservation, physicochemical variation, residue mobility, and thermodynamic stability) performed at Invitae indicates that this missense variant is not expected to disrupt KCNQ3 protein function with a negative predictive value of 95%. In summary, the available evidence is currently insufficient to determine the role of this variant in disease. Therefore, it has been classified as a Variant of Uncertain Significance.

NM_004519.4(KCNQ3):c.121C>G (p.Arg41Gly)

Gene: KCNQ3 (potassium voltage-gated channel subfamily Q member 3; minus strand). Cytogenetic location: 8q24.22.
Variant type: single nucleotide variant.
Coding change: c.121C>G on transcript NM_004519.4 (MANE Select); coding-DNA position 121, C replaced by G.
Protein change: p.Arg41Gly; replaces arginine 41 with glycine.
Molecular consequence: missense variant.
Genome position (GRCh38, 1-based): chr8:132,480,412, G>C on the plus strand (C>G on the coding strand, the complement: KCNQ3 is on the minus strand). VCF-style: chr8-132480412-G-C. GRCh37 (hg19) VCF-style: chr8-133492659-G-C.
Other names: short protein forms R41G.
Identifiers: ClinVar variation 2870384 (VCV002870384.3), dbSNP rs568033682, ClinGen allele CA4881020.
Genomic context (GRCh38, chr8:132,480,412, plus strand): 5'-CTCCGGCCCCGAGCGCCAAGGTGACTTGCTCCACGTCGCCGGGCGCCAGCCCCACTTTCC[G>C]CTCCTCGTCGCCGGCCGCCGCCGCGTCCCCTCCGGCTGGGTTAGCCGCCCCGCCGCCTCC-3'
Protein context (NP_004510.1, residues 31-51): GDAAAAGDEE[Arg41Gly]KVGLAPGDVE